The following is an entry in ClinVar:

ClinVar aggregate classification (germline): Uncertain significance. Review status: criteria provided, multiple submitters, no conflicts (2 of 4 stars). 2 submissions from 2 submitters: Uncertain significance (2). Last evaluated 2025-11-26.

Conditions:
Familial thoracic aortic aneurysm and aortic dissection (TAAD). Also called: Thoracic aortic aneurysms and dissections. Identifiers: Orphanet 91387, MedGen C4707243, MONDO:0019625.
Hereditary cancer-predisposing syndrome. Also called: Neoplastic Syndromes, Hereditary; Tumor predisposition; Hereditary Cancer Syndrome; Hereditary neoplastic syndrome. Identifiers: Orphanet 140162, MedGen C0027672, MeSH D009386, MONDO:0015356.
Juvenile polyposis syndrome (JPS). Identifiers: Orphanet 2929, MedGen C0345893, MONDO:0017380, OMIM 174900.

Submissions (2):

Ambry Genetics
Classification: Uncertain significance for Hereditary cancer-predisposing syndrome; Familial thoracic aortic aneurysm and aortic dissection. Last evaluated: 2025-11-26. Review status: criteria provided, single submitter. Criteria: Ambry Variant Classification Scheme 2023. Collection method: clinical testing. Allele origin: germline.
Comment: The c.1140-3A>T intronic variant results from an A to T substitution 3 nucleotides upstream from coding exon 9 in the SMAD4 gene. This nucleotide position is not well conserved in available vertebrate species. In silico splice site analysis predicts that this alteration will not have any significant effect on splicing; however, direct evidence is insufficient at this time (Ambry internal data). Based on the available evidence, the clinical significance of this variant remains unclear.

Labcorp Genetics (formerly Invitae), Labcorp
Classification: Uncertain significance for Juvenile polyposis syndrome. Last evaluated: 2022-05-09. Review status: criteria provided, single submitter. Criteria: Invitae Variant Classification Sherloc (09022015). Collection method: clinical testing. Allele origin: germline.
Comment: This variant is not present in population databases (gnomAD no frequency). This sequence change falls in intron 9 of the SMAD4 gene. It does not directly change the encoded amino acid sequence of the SMAD4 protein. It affects a nucleotide within the consensus splice site. In summary, the available evidence is currently insufficient to determine the role of this variant in disease. Therefore, it has been classified as a Variant of Uncertain Significance. Variants that disrupt the consensus splice site are a relatively common cause of aberrant splicing (PMID: 17576681, 9536098). Algorithms developed to predict the effect of sequence changes on RNA splicing suggest that this variant is not likely to affect RNA splicing. This variant has not been reported in the literature in individuals affected with SMAD4-related conditions.

Literature cited by the submitters: PubMed 17576681 (cited by Labcorp Genetics (formerly Invitae), Labcorp); PubMed 9536098 (cited by Labcorp Genetics (formerly Invitae), Labcorp).

NM_005359.6(SMAD4):c.1140-3A>T

Gene: SMAD4 (SMAD family member 4; plus strand). Cytogenetic location: 18q21.2.
Variant type: single nucleotide variant.
Coding change: c.1140-3A>T on transcript NM_005359.6 (MANE Select); 3 bases into the intron before coding-DNA position 1140, A replaced by T.
Molecular consequence: intron variant.
Genome position (GRCh38, 1-based): chr18:51,067,016, A>T. VCF-style: chr18-51067016-A-T. GRCh37 (hg19) VCF-style: chr18-48593386-A-T.
Identifiers: ClinVar variation 1731001 (VCV001731001.8), dbSNP rs956212866, ClinGen allele CA2580095819.